The following is an entry in ClinVar:

ClinVar aggregate classification (germline): Uncertain significance (1 of 4 stars; one submission).

Submission:

GeneDx
Classification: Uncertain significance. Last evaluated: 2024-07-11. Review status: criteria provided, single submitter. Criteria: GeneDx Variant Classification Process June 2021. Collection method: clinical testing. Allele origin: germline. Affected: yes.
Comment: Not observed at significant frequency in large population cohorts (gnomAD); In silico analysis supports that this missense variant has a deleterious effect on protein structure/function; Has not been previously published as pathogenic or benign to our knowledge

NM_006922.4(SCN3A):c.2335A>G (p.Met779Val)

Gene: SCN3A (sodium voltage-gated channel alpha subunit 3; minus strand). Cytogenetic location: 2q24.3.
Variant type: single nucleotide variant.
Coding change: c.2335A>G on transcript NM_006922.4 (MANE Select); coding-DNA position 2335, A replaced by G.
Protein change: p.Met779Val; replaces methionine 779 with valine.
Molecular consequence: missense variant.
Genome position (GRCh38, 1-based): chr2:165,137,935, T>C on the plus strand (A>G on the coding strand, the complement: SCN3A is on the minus strand). VCF-style: chr2-165137935-T-C. GRCh37 (hg19) VCF-style: chr2-165994445-T-C.
Other names: c.2188A>G, p.Met730Val (NM_001081676.2, NM_001081677.2); short protein forms M730V, M779V.
Identifiers: ClinVar variation 3572477 (VCV003572477.1).